The following is an entry in ClinVar:

NM_133642.5(LARGE1):c.1765A>G (p.Lys589Glu)

Gene: LARGE1 (LARGE xylosyl- and glucuronyltransferase 1; minus strand). Cytogenetic location: 22q12.3.
Variant type: single nucleotide variant.
Coding change: c.1765A>G on transcript NM_133642.5 (MANE Select); coding-DNA position 1765, A replaced by G.
Protein change: p.Lys589Glu; replaces lysine 589 with glutamic acid.
Molecular consequence: missense variant. On other transcripts: intron variant (3).
Genome position (GRCh38, 1-based): chr22:33,283,314, T>C on the plus strand (A>G on the coding strand, the complement: LARGE1 is on the minus strand). VCF-style: chr22-33283314-T-C. GRCh37 (hg19) VCF-style: chr22-33679300-T-C.
Other names: c.1765A>G, p.Lys589Glu (NM_001362949.2, NM_001362951.2, NM_001362953.2 and 4 more transcripts); c.1609A>G, p.Lys537Glu (NM_001378629.1); c.1162A>G, p.Lys388Glu (NM_001378630.1); c.1731-6059A>G (NM_001378627.1, NM_001378628.1); c.972-6059A>G (NM_001378631.1); short protein forms K589E, K388E, K537E.
Identifiers: ClinVar variation 658374 (VCV000658374.9), dbSNP rs1602229899, ClinGen allele CA411543480.

ClinVar aggregate classification (germline): Uncertain significance (1 of 4 stars; one submission).

Conditions:
Muscular dystrophy-dystroglycanopathy type B6 (MDDGB6). Also called: MUSCULAR DYSTROPHY, CONGENITAL, LARGE-RELATED; MUSCULAR DYSTROPHY, CONGENITAL, TYPE 1D; MUSCULAR DYSTROPHY-DYSTROGLYCANOPATHY (CONGENITAL WITH IMPAIRED INTELLECTUAL DEVELOPMENT), TYPE B, 6. Identifiers: MedGen C1837229, MONDO:0012138, OMIM 608840.

Submission:

Labcorp Genetics (formerly Invitae), Labcorp
Classification: Uncertain significance for Muscular dystrophy-dystroglycanopathy type B6. Last evaluated: 2018-11-06. Review status: criteria provided, single submitter. Criteria: Invitae Variant Classification Sherloc (09022015). Collection method: clinical testing. Allele origin: germline.
Comment: In summary, the available evidence is currently insufficient to determine the role of this variant in disease. Therefore, it has been classified as a Variant of Uncertain Significance. Algorithms developed to predict the effect of missense changes on protein structure and function are either unavailable or do not agree on the potential impact of this missense change (SIFT: "Deleterious"; PolyPhen-2: "Possibly Damaging"; Align-GVGD: "Class C15"). This variant has not been reported in the literature in individuals with LARGE1-related disease. This variant is not present in population databases (ExAC no frequency). This sequence change replaces lysine with glutamic acid at codon 589 of the LARGE1 protein (p.Lys589Glu). The lysine residue is highly conserved and there is a small physicochemical difference between lysine and glutamic acid.